The following is an entry in ClinVar:

ClinVar aggregate classification (germline): Conflicting classifications of pathogenicity. Review status: criteria provided, conflicting classifications (1 of 4 stars). 3 submissions from 3 submitters: Likely pathogenic (2); Uncertain significance (1). Last evaluated 2024-12-31.

Conditions:
TULP1-related disorder. Also called: TULP1-related condition; TULP1-related disorders.

Allele frequency attached by ClinVar (database versions not stated): gnomAD exomes below 0.00001; ExAC 0.00001; gnomAD 0.00001.
gnomAD v4.1: 3 of 1,613,746 alleles (0.00019%); highest among the groups gnomAD compares: Admixed American, 0.0033%; no homozygotes.

Submissions (3):

Labcorp Genetics (formerly Invitae), Labcorp
Classification: Likely pathogenic. Last evaluated: 2024-12-31. Review status: criteria provided, single submitter. Criteria: Invitae Variant Classification Sherloc (09022015). Collection method: clinical testing. Allele origin: germline.
Comment: This sequence change replaces tyrosine, which is neutral and polar, with serine, which is neutral and polar, at codon 324 of the TULP1 protein (p.Tyr324Ser). This variant is present in population databases (rs749776323, gnomAD 0.003%). This missense change has been observed in individuals with TULP1-related conditions (internal data). ClinVar contains an entry for this variant (Variation ID: 865883). Invitae Evidence Modeling of protein sequence and biophysical properties (such as structural, functional, and spatial information, amino acid conservation, physicochemical variation, residue mobility, and thermodynamic stability) indicates that this missense variant is expected to disrupt TULP1 protein function with a positive predictive value of 95%. In summary, the currently available evidence indicates that the variant is pathogenic, but additional data are needed to prove that conclusively. Therefore, this variant has been classified as Likely Pathogenic.

Blueprint Genetics
Classification: Likely pathogenic for TULP1-related disorders. Last evaluated: 2024-06-26. Review status: criteria provided, single submitter. Criteria: ACMG Guidelines, 2015. Collection method: clinical testing. Allele origin: germline. Affected: yes. Observed: 4 variant alleles.

CeGaT Center for Human Genetics Tuebingen
Classification: Uncertain significance. Last evaluated: 2024-02-01. Review status: criteria provided, single submitter. Criteria: CeGaT Center For Human Genetics Tuebingen Variant Classification Criteria Version 2. Collection method: clinical testing. Allele origin: germline. Affected: yes. Observed: 1 variant allele.
Comment: TULP1: PM2, PP3

NM_003322.6(TULP1):c.971A>C (p.Tyr324Ser)

Gene: TULP1 (TUB like protein 1; minus strand). Cytogenetic location: 6p21.31.
Variant type: single nucleotide variant.
Coding change: c.971A>C on transcript NM_003322.6 (MANE Select); coding-DNA position 971, A replaced by C.
Protein change: p.Tyr324Ser; replaces tyrosine 324 with serine.
Molecular consequence: missense variant.
Genome position (GRCh38, 1-based): chr6:35,506,031, T>G on the plus strand (A>C on the coding strand, the complement: TULP1 is on the minus strand). VCF-style: chr6-35506031-T-G. GRCh37 (hg19) VCF-style: chr6-35473808-T-G.
Other names: c.812A>C, p.Tyr271Ser (NM_001289395.2); short protein forms Y271S, Y324S.
Identifiers: ClinVar variation 865883 (VCV000865883.29), dbSNP rs749776323, ClinGen allele CA3772736.